The following is an entry in ClinVar:

ClinVar aggregate classification (germline): Conflicting classifications of pathogenicity. Review status: criteria provided, conflicting classifications (1 of 4 stars). 5 submissions from 5 submitters: Uncertain significance (3); Likely benign (2). Last evaluated 2026-02-03.

Conditions:
TTN-related disorder. Also called: TTN-related disorders; TTN-related condition; TTN-related disease.
Cardiovascular phenotype. Identifiers: MedGen CN230736.
Autosomal recessive limb-girdle muscular dystrophy type 2J (LGMDR10). Also called: Limb-girdle muscular dystrophy, type 2J; MUSCULAR DYSTROPHY, LIMB-GIRDLE, AUTOSOMAL RECESSIVE 10. Identifiers: Orphanet 140922, MedGen C1837342, MONDO:0012127, OMIM 608807.
Dilated cardiomyopathy 1G (CMD1G). Identifiers: Orphanet 154, MedGen C1858763, MONDO:0011400, OMIM 604145.

Allele frequency attached by ClinVar (database versions not stated): ExAC 0.00001; gnomAD exomes 0.00001 and 0.00002; gnomAD 0.00010 and 0.00011; TOPMed 0.00010.
gnomAD v4.1: 27 of 1,612,704 alleles (0.0017%); highest among the groups gnomAD compares: African/African-American, 0.036%; no homozygotes.

Submissions (5):

PreventionGenetics, part of Exact Sciences
Classification: Uncertain significance for TTN-related condition. Last evaluated: 2026-02-03. Review status: criteria provided, single submitter. Criteria: ACMG Guidelines, 2015. Collection method: clinical testing. Allele origin: germline.
Comment: The TTN c.66844T>C variant is predicted to result in the amino acid substitution p.Tyr22282His. To our knowledge, this variant has not been reported in the literature. This variant is reported in 0.033% of alleles in individuals of African descent in gnomAD. At this time, the clinical significance of this variant is uncertain due to the absence of conclusive functional and genetic evidence.

Women's Health and Genetics/Laboratory Corporation of America, LabCorp
Classification: Uncertain significance. Last evaluated: 2022-05-07. Review status: criteria provided, single submitter. Criteria: LabCorp Variant Classification Summary - May 2015. Collection method: clinical testing. Allele origin: germline.

GeneDx
Classification: Likely benign. Last evaluated: 2021-01-11. Review status: criteria provided, single submitter. Criteria: GeneDx Variant Classification Process June 2021. Collection method: clinical testing. Allele origin: germline. Affected: yes.

Ambry Genetics
Classification: Likely benign for Cardiovascular phenotype. Last evaluated: 2020-08-14. Review status: criteria provided, single submitter. Criteria: Ambry Variant Classification Scheme 2023. Collection method: clinical testing. Allele origin: germline.

Labcorp Genetics (formerly Invitae), Labcorp
Classification: Uncertain significance for Dilated cardiomyopathy 1G; Autosomal recessive limb-girdle muscular dystrophy type 2J. Last evaluated: 2016-12-17. Review status: criteria provided, single submitter. Criteria: Invitae Variant Classification Sherloc (09022015). Collection method: clinical testing. Allele origin: germline.

NM_001267550.2(TTN):c.66844T>C (p.Tyr22282His)

Genes: TTN (titin; minus strand), TTN-AS1 (TTN antisense RNA 1; plus strand). Cytogenetic location: 2q31.2.
Variant type: single nucleotide variant.
Coding change: c.66844T>C on transcript NM_001267550.2 (MANE Select); coding-DNA position 66844, T replaced by C.
Protein change: p.Tyr22282His; replaces tyrosine 22282 with histidine.
Molecular consequence: missense variant.
Genome position (GRCh38, 1-based): chr2:178,580,535, A>G on the plus strand (T>C on the coding strand, the complement: TTN is on the minus strand). VCF-style: chr2-178580535-A-G. GRCh37 (hg19) VCF-style: chr2-179445262-A-G.
Other names: c.61921T>C, p.Tyr20641His (NM_001256850.1); c.39649T>C, p.Tyr13217His (NM_003319.4); c.59140T>C, p.Tyr19714His (NM_133378.4); c.40024T>C, p.Tyr13342His (NM_133432.3); c.40225T>C, p.Tyr13409His (NM_133437.4); short protein forms Y22282H, Y20641H, Y13342H, Y19714H, Y13409H, Y13217H.
Identifiers: ClinVar variation 404949 (VCV000404949.9), dbSNP rs745992545, ClinGen allele CA1991411.